The following is an entry in ClinVar:

ClinVar aggregate classification (germline): Uncertain significance. Review status: criteria provided, multiple submitters, no conflicts (2 of 4 stars). 2 submissions from 2 submitters: Uncertain significance (2). Last evaluated 2024-02-25.

Conditions:
Inborn genetic diseases. Identifiers: MedGen C0950123, MeSH D030342.
Seckel syndrome 1 (SCKL1). Also called: MICROCEPHALIC PRIMORDIAL DWARFISM I. Identifiers: Orphanet 808, MedGen C4551474, MONDO:0008869, OMIM 210600.

Allele frequency attached by ClinVar (database versions not stated): ExAC 0.00001; gnomAD 0.00001; gnomAD exomes 0.00001; TOPMed 0.00001.
gnomAD v4.1: 4 of 1,612,808 alleles (0.00025%); highest among the groups gnomAD compares: Admixed American, 0.0034%; no homozygotes.

Submissions (2):

Ambry Genetics
Classification: Uncertain significance for Inborn genetic diseases. Last evaluated: 2024-02-25. Review status: criteria provided, single submitter. Criteria: Ambry Variant Classification Scheme 2023. Collection method: clinical testing. Allele origin: germline.
Comment: The p.N1911S variant (also known as c.5732A>G), located in coding exon 33 of the ATR gene, results from an A to G substitution at nucleotide position 5732. The asparagine at codon 1911 is replaced by serine, an amino acid with highly similar properties. This amino acid position is conserved. In addition, this alteration is predicted to be tolerated by in silico analysis. Based on the available evidence, the clinical significance of this alteration remains unclear.

Genetic Services Laboratory, University of Chicago
Classification: Uncertain significance for Seckel syndrome 1. Last evaluated: 2014-07-21. Review status: criteria provided, single submitter. Criteria: ACMG Guidelines, 2015. Collection method: clinical testing. Allele origin: germline. Inheritance: Autosomal recessive inheritance.

NM_001184.4(ATR):c.5732A>G (p.Asn1911Ser)

Gene: ATR (ATR serine/threonine kinase; minus strand). Cytogenetic location: 3q23.
Variant type: single nucleotide variant.
Coding change: c.5732A>G on transcript NM_001184.4 (MANE Select); coding-DNA position 5732, A replaced by G.
Protein change: p.Asn1911Ser; replaces asparagine 1911 with serine.
Molecular consequence: missense variant.
Genome position (GRCh38, 1-based): chr3:142,497,019, T>C on the plus strand (A>G on the coding strand, the complement: ATR is on the minus strand). VCF-style: chr3-142497019-T-C. GRCh37 (hg19) VCF-style: chr3-142215861-T-C.
Other names: c.5540A>G, p.Asn1847Ser (NM_001354579.2); short protein forms N1911S, N1847S.
Identifiers: ClinVar variation 157994 (VCV000157994.7), dbSNP rs587783334, ClinGen allele CA345987.
Genomic context (GRCh38, chr3:142,497,019, plus strand): 5'-CCAAATACCAAATTCAAGATAAGTGACATTTTTAAAAAAAGTAGTGTGAGAAACCTTTTG[T>C]TGAGGCTTAGTAAAGCCCTCCGGAGAGCCAGGATAGGCTCCTTGGCTCTGTAGGAATTCT-3'
Protein context (NP_001175.2, residues 1901-1921): LALRRALLSL[Asn1911Ser]KRPDYNEMVG